The following is an entry in ClinVar:

NM_005422.4(TECTA):c.585C>T (p.Gly195=)

Genes: TBCEL-TECTA (TBCEL-TECTA readthrough; plus strand), TECTA (tectorin alpha; plus strand). Cytogenetic location: 11q23.3.
Variant type: single nucleotide variant.
Coding change: c.585C>T on transcript NM_005422.4 (MANE Select); coding-DNA position 585, C replaced by T.
Protein change: p.Gly195=; no amino-acid change (glycine 195 retained).
Molecular consequence: synonymous variant.
Genome position (GRCh38, 1-based): chr11:121,113,170, C>T. VCF-style: chr11-121113170-C-T. GRCh37 (hg19) VCF-style: chr11-120983879-C-T.
Other names: c.1542C>T, p.Gly514= (NM_001378761.1).
Identifiers: ClinVar variation 179938 (VCV000179938.7), dbSNP rs372185673, ClinGen allele CA185467.

ClinVar aggregate classification (germline): Likely benign. Review status: criteria provided, multiple submitters, no conflicts (2 of 4 stars). 2 submissions from 2 submitters: Likely benign (2). Last evaluated 2024-06-20.

Allele frequency attached by ClinVar (database versions not stated): gnomAD 0.00002; TOPMed 0.00003; gnomAD exomes 0.00005 and 0.00006; ExAC 0.00008; ESP Exome Variant Server 0.00008.
gnomAD v4.1: 85 of 1,613,894 alleles (0.0053%); highest among the groups gnomAD compares: Middle Eastern, 0.016%; no homozygotes.

Submissions (2):

Labcorp Genetics (formerly Invitae), Labcorp
Classification: Likely benign. Last evaluated: 2024-06-20. Review status: criteria provided, single submitter. Criteria: Invitae Variant Classification Sherloc (09022015). Collection method: clinical testing. Allele origin: germline.

Laboratory for Molecular Medicine, Mass General Brigham Personalized Medicine
Classification: Likely benign. Last evaluated: 2014-08-05. Review status: criteria provided, single submitter. Criteria: LMM Criteria. Collection method: clinical testing. Allele origin: germline. Observed: 1 variant allele.
Comment: Gly195Gly in exon 4 of TECTA: This variant is not expected to have clinical sign ificance because it does not alter an amino acid residue and is not located with in the splice consensus sequence. It has been identified in (1/8598) of European American chromosomes by the NHLBI Exome Sequencing Project (rs372185673)